The following is an entry in ClinVar:

ClinVar aggregate classification (germline): Benign (1 of 4 stars; one submission).

Conditions:
Lynch syndrome 4 (LYNCH4). Also called: Colorectal cancer, hereditary nonpolyposis, type 4; Hereditary non-polyposis colorectal cancer, type 4. Identifiers: Orphanet 144, MedGen C1838333, MONDO:0013699, OMIM 614337. Disease mechanism: loss of function.

Submission:

Myriad Genetics, Inc.
Classification: Benign for Lynch syndrome 4. Last evaluated: 2025-01-28. Review status: criteria provided, single submitter. Criteria: Myriad Autosomal Dominant, Autosomal Recessive and X-Linked Classification Criteria (2023). Collection method: clinical testing. Allele origin: unknown.
Comment: This variant is considered benign. This variant is a silent/synonymous amino acid change and it is not expected to impact splicing.

NM_000535.7(PMS2):c.798T>C (p.Leu266=)

Gene: PMS2 (PMS1 homolog 2, mismatch repair system component; minus strand). Cytogenetic location: 7p22.1.
Variant type: single nucleotide variant.
Coding change: c.798T>C on transcript NM_000535.7 (MANE Select); coding-DNA position 798, T replaced by C.
Protein change: p.Leu266=; no amino-acid change (leucine 266 retained).
Molecular consequence: synonymous variant. On other transcripts: 5 prime UTR variant (2), non-coding transcript variant (1), intron variant (3).
Genome position (GRCh38, 1-based): chr7:5,997,331, A>G on the plus strand (T>C on the coding strand, the complement: PMS2 is on the minus strand). VCF-style: chr7-5997331-A-G. GRCh37 (hg19) VCF-style: chr7-6036962-A-G.
Other names: c.393T>C, p.Leu131= (NM_001322003.2, NM_001322004.2, NM_001322005.2 and 19 more transcripts); c.798T>C, p.Leu266= (NM_001322006.2, NM_001322014.2, NM_001406870.1 and 3 more transcripts); c.480T>C, p.Leu160= (NM_001322007.2, NM_001322008.2, NM_001406876.1 and 4 more transcripts); c.-136T>C (NM_001322011.2, NM_001322012.2); c.225T>C, p.Leu75= (NM_001322013.2, NM_001406909.1); c.489T>C, p.Leu163= (NM_001322015.2, NM_001406875.1, NM_001406877.1 and 6 more transcripts); c.984T>C, p.Leu328= (NM_001406866.1); c.822T>C, p.Leu274= (NM_001406868.1); and 7 more.
Identifiers: ClinVar variation 3903859 (VCV003903859.1).